The following is an entry in ClinVar:

NM_005121.3(MED13):c.197T>G (p.Leu66Arg)

Gene: MED13 (mediator complex subunit 13; minus strand). Cytogenetic location: 17q23.2.
Variant type: single nucleotide variant.
Coding change: c.197T>G on transcript NM_005121.3 (MANE Select); coding-DNA position 197, T replaced by G.
Protein change: p.Leu66Arg; replaces leucine 66 with arginine.
Molecular consequence: missense variant.
Genome position (GRCh38, 1-based): chr17:62,063,171, A>C on the plus strand (T>G on the coding strand, the complement: MED13 is on the minus strand). VCF-style: chr17-62063171-A-C. GRCh37 (hg19) VCF-style: chr17-60140532-A-C.
Other names: short protein forms L66R.
Identifiers: ClinVar variation 3901796 (VCV003901796.2).

ClinVar aggregate classification (germline): Uncertain significance (1 of 4 stars; one submission).

Submission:

GeneDx
Classification: Uncertain significance. Last evaluated: 2025-12-26. Review status: criteria provided, single submitter. Criteria: GeneDx Variant Classification Process June 2021. Collection method: clinical testing. Allele origin: germline. Affected: yes.
Comment: Has not been previously published as pathogenic or benign to our knowledge; Not observed at significant frequency in large population cohorts (gnomAD); In silico analysis supports that this missense variant has a deleterious effect on protein structure/function